The following is an entry in ClinVar:

NM_001282531.3(ADNP):c.2248G>A (p.Val750Ile)

Gene: ADNP (activity dependent neuroprotector homeobox; minus strand). Cytogenetic location: 20q13.13.
Variant type: single nucleotide variant.
Coding change: c.2248G>A on transcript NM_001282531.3 (MANE Select); coding-DNA position 2248, G replaced by A.
Protein change: p.Val750Ile; replaces valine 750 with isoleucine.
Molecular consequence: missense variant.
Genome position (GRCh38, 1-based): chr20:50,892,466, C>T on the plus strand (G>A on the coding strand, the complement: ADNP is on the minus strand). VCF-style: chr20-50892466-C-T. GRCh37 (hg19) VCF-style: chr20-49509003-C-T.
Other names: c.2248G>A, p.Val750Ile (NM_001282532.2, NM_001347511.2, NM_015339.5 and 1 more transcripts); short protein forms V750I.
Identifiers: ClinVar variation 2116634 (VCV002116634.4), dbSNP rs968808306, ClinGen allele CA315256931.
Genomic context (GRCh38, chr20:50,892,466, plus strand): 5'-AGCTTTTCCTGGCTTCATAGGAATCATCTTCATGACCCTTGGGGTCTAAAGCTAAAACAA[C>T]AGGCTCTTCAGGCTTCTCTTCAAAGAAGCTGGGTGAATCACTATCATCATCTAACTTTCG-3'
Protein context (NP_001269460.1, residues 740-760): SFFEEKPEEP[Val750Ile]VLALDPKGHE

ClinVar aggregate classification (germline): Uncertain significance (1 of 4 stars; one submission).

Allele frequency attached by ClinVar (database versions not stated): TOPMed 0.00002; gnomAD 0.00003.
gnomAD v4.1: 14 of 1,614,026 alleles (0.00087%); highest among the groups gnomAD compares: African/African-American, 0.0027%; no homozygotes.

Submission:

Labcorp Genetics (formerly Invitae), Labcorp
Classification: Uncertain significance. Last evaluated: 2022-09-29. Review status: criteria provided, single submitter. Criteria: Invitae Variant Classification Sherloc (09022015). Collection method: clinical testing. Allele origin: germline.
Comment: This sequence change replaces valine, which is neutral and non-polar, with isoleucine, which is neutral and non-polar, at codon 750 of the ADNP protein (p.Val750Ile). In summary, the available evidence is currently insufficient to determine the role of this variant in disease. Therefore, it has been classified as a Variant of Uncertain Significance. Algorithms developed to predict the effect of missense changes on protein structure and function are either unavailable or do not agree on the potential impact of this missense change (SIFT: "Not Available"; PolyPhen-2: "Benign"; Align-GVGD: "Not Available"). This variant has not been reported in the literature in individuals affected with ADNP-related conditions. This variant is present in population databases (no rsID available, gnomAD 0.004%).